The following is an entry in ClinVar:

ClinVar aggregate classification (germline): Uncertain significance. Review status: criteria provided, multiple submitters, no conflicts (2 of 4 stars). 2 submissions from 2 submitters: Uncertain significance (2). Last evaluated 2024-11-12.

Conditions:
Werner syndrome (WRN). Identifiers: Orphanet 902, MedGen C0043119, MONDO:0010196, OMIM 277700.

Allele frequency attached by ClinVar (database versions not stated): TOPMed 0.00001; gnomAD 0.00002 and 0.00001.
gnomAD v4.1: 3 of 1,613,012 alleles (0.00019%); highest among the groups gnomAD compares: Admixed American, 0.0033%; no homozygotes.

Submissions (2):

Dasa
Classification: Uncertain significance. Last evaluated: 2024-11-12. Review status: criteria provided, single submitter. Criteria: DASA Assertion Criteria. Collection method: clinical testing. Allele origin: germline.
Comment: NM_000553.6(WRN):c.1873G>A (p.Glu625Lys) is a missense variant that results in the substitution of glutamic acid with lysine. Multiple computational predictions support a deleterious effect on the gene or gene product. The variant is present at low frequency in population datasets. Based on the available data, this variant is classified as variant of uncertain significance.

Labcorp Genetics (formerly Invitae), Labcorp
Classification: Uncertain significance for Werner syndrome. Last evaluated: 2023-06-05. Review status: criteria provided, single submitter. Criteria: Invitae Variant Classification Sherloc (09022015). Collection method: clinical testing. Allele origin: germline.
Comment: This variant is not present in population databases (gnomAD no frequency). In summary, the available evidence is currently insufficient to determine the role of this variant in disease. Therefore, it has been classified as a Variant of Uncertain Significance. Algorithms developed to predict the effect of missense changes on protein structure and function output the following: SIFT: "Not Available"; PolyPhen-2: "Benign"; Align-GVGD: "Not Available". The lysine amino acid residue is found in multiple mammalian species, which suggests that this missense change does not adversely affect protein function. ClinVar contains an entry for this variant (Variation ID: 1439313). This variant has not been reported in the literature in individuals affected with WRN-related conditions. This sequence change replaces glutamic acid, which is acidic and polar, with lysine, which is basic and polar, at codon 625 of the WRN protein (p.Glu625Lys).

NM_000553.6(WRN):c.1873G>A (p.Glu625Lys)

Gene: WRN (WRN RecQ like helicase; plus strand). Cytogenetic location: 8p12.
Variant type: single nucleotide variant.
Coding change: c.1873G>A on transcript NM_000553.6 (MANE Select); coding-DNA position 1873, G replaced by A.
Protein change: p.Glu625Lys; replaces glutamic acid 625 with lysine.
Molecular consequence: missense variant.
Genome position (GRCh38, 1-based): chr8:31,091,873, G>A. VCF-style: chr8-31091873-G-A. GRCh37 (hg19) VCF-style: chr8-30949389-G-A.
Other names: short protein forms E625K.
Identifiers: ClinVar variation 1439313 (VCV001439313.7), dbSNP rs1813759748, ClinGen allele CA370928475.
Genomic context (GRCh38, chr8:31,091,873, plus strand): 5'-TGTTTTTCTTCTTATAGAATGTCCAACATCCCAGCTTGCTTCCTTGGATCAGCACAGTCA[G>A]AAAATGTTCTAACAGATATTAAATTGTGAGTAATTTTTTTCCCTCAACTTTTATTTTGGA-3'
Protein context (NP_000544.2, residues 615-635): PACFLGSAQS[Glu625Lys]NVLTDIKLGK